The following is an entry in ClinVar:

NM_004839.4(HOMER2):c.896C>T (p.Thr299Ile)

Gene: HOMER2 (homer scaffold protein 2; minus strand). Cytogenetic location: 15q25.2.
Variant type: single nucleotide variant.
Coding change: c.896C>T on transcript NM_004839.4 (MANE Select); coding-DNA position 896, C replaced by T.
Protein change: p.Thr299Ile; replaces threonine 299 with isoleucine.
Molecular consequence: missense variant.
Genome position (GRCh38, 1-based): chr15:82,849,851, G>A on the plus strand (C>T on the coding strand, the complement: HOMER2 is on the minus strand). VCF-style: chr15-82849851-G-A. GRCh37 (hg19) VCF-style: chr15-83518603-G-A.
Other names: c.929C>T (NM_199330.2); c.929C>T, p.Thr310Ile (NM_199330.3); short protein forms T310I, T299I.
Identifiers: ClinVar variation 2958284 (VCV002958284.5), dbSNP rs2051331968, ClinGen allele CA393319211.

ClinVar aggregate classification (germline): Uncertain significance. Review status: criteria provided, multiple submitters, no conflicts (2 of 4 stars). 3 submissions from 3 submitters: Uncertain significance (3). Last evaluated 2025-04-15.

Conditions:
Inborn genetic diseases. Identifiers: MedGen C0950123, MeSH D030342.

Allele frequency attached by ClinVar (database versions not stated): gnomAD exomes below 0.00001; TOPMed below 0.00001.
gnomAD v4.1: 2 of 1,613,994 alleles (0.00012%); highest among the groups gnomAD compares: Non-Finnish European, 0.00017%; no homozygotes.

Submissions (3):

Ambry Genetics
Classification: Uncertain significance for Inborn genetic diseases. Last evaluated: 2025-04-15. Review status: criteria provided, single submitter. Criteria: Ambry Variant Classification Scheme 2023. Collection method: clinical testing. Allele origin: germline.

Labcorp Genetics (formerly Invitae), Labcorp
Classification: Uncertain significance. Last evaluated: 2023-12-30. Review status: criteria provided, single submitter. Criteria: Invitae Variant Classification Sherloc (09022015). Collection method: clinical testing. Allele origin: germline.
Comment: This sequence change replaces threonine, which is neutral and polar, with isoleucine, which is neutral and non-polar, at codon 299 of the HOMER2 protein (p.Thr299Ile). This variant is not present in population databases (gnomAD no frequency). This variant has not been reported in the literature in individuals affected with HOMER2-related conditions. An algorithm developed to predict the effect of missense changes on protein structure and function (PolyPhen-2) suggests that this variant is likely to be tolerated. In summary, the available evidence is currently insufficient to determine the role of this variant in disease. Therefore, it has been classified as a Variant of Uncertain Significance.

Blueprint Genetics
Classification: Uncertain significance. Last evaluated: 2017-06-30. Review status: criteria provided, single submitter. Criteria: ACMG Guidelines, 2015. Collection method: clinical testing. Allele origin: germline.